The following is an entry in ClinVar:

NM_015978.3(TNNI3K):c.777G>C (p.Leu259Phe)

Genes: FPGT-TNNI3K (FPGT-TNNI3K readthrough; plus strand), TNNI3K (TNNI3 interacting kinase; plus strand). Cytogenetic location: 1p31.1.
Variant type: single nucleotide variant.
Coding change: c.777G>C on transcript NM_015978.3 (MANE Select); coding-DNA position 777, G replaced by C.
Protein change: p.Leu259Phe; replaces leucine 259 with phenylalanine.
Molecular consequence: missense variant.
Genome position (GRCh38, 1-based): chr1:74,342,936, G>C. VCF-style: chr1-74342936-G-C. GRCh37 (hg19) VCF-style: chr1-74808620-G-C.
Other names: p.Leu259Phe; c.1080G>C, p.Leu360Phe (NM_001112808.3, NM_001199327.2); short protein forms L259F, L360F.
Identifiers: ClinVar variation 1284632 (VCV001284632.41), dbSNP rs150107405, ClinGen allele CA909008.

ClinVar aggregate classification (germline): Benign/Likely benign. Review status: criteria provided, multiple submitters, no conflicts (2 of 4 stars). 10 submissions from 10 submitters: Benign (1); Likely benign (6). 3 of the submissions do not count toward it. Last evaluated 2026-01-26.

Conditions:
Atrial conduction disease. Identifiers: Orphanet 436242, MedGen CN221670, MONDO:0014500.
TNNI3K-related disorder. Also called: TNNI3K-related condition.

Allele frequency attached by ClinVar (database versions not stated): 1000 Genomes Project 30x 0.00094; 1000 Genomes Project 0.00120; gnomAD exomes 0.00128; ESP Exome Variant Server 0.00131; ExAC 0.00138; gnomAD 0.00145 and 0.00146; TOPMed 0.00147.
gnomAD v4.1: 3,883 of 1,613,850 alleles (0.24%); highest among the groups gnomAD compares: Non-Finnish European, 0.3%; 8 homozygotes.

Submissions (10):

Labcorp Genetics (formerly Invitae), Labcorp
Classification: Likely benign. Last evaluated: 2026-01-26. Review status: criteria provided, single submitter. Criteria: Invitae Variant Classification Sherloc (09022015). Collection method: clinical testing. Allele origin: germline.

Molecular Diagnostic Laboratory for Inherited Cardiovascular Disease, Montreal Heart Institute
Classification: Likely benign. Last evaluated: 2025-04-09. Review status: criteria provided, single submitter. Criteria: ACMG Guidelines, 2015. Collection method: clinical testing. Allele origin: germline. Affected: no.

ARUP Laboratories, Molecular Genetics and Genomics, ARUP Laboratories
Classification: Likely benign for Cardiac conduction disease with or without dilated cardiomyopathy 1. Last evaluated: 2025-03-05. Review status: criteria provided, single submitter. Criteria: ARUP Molecular Germline Variant Investigation Process 2024. Collection method: clinical testing. Allele origin: germline.

Blueprint Genetics
Classification: Likely benign. Last evaluated: 2024-11-26. Review status: criteria provided, single submitter. Criteria: ACMG Guidelines, 2015. Collection method: clinical testing. Allele origin: germline.

Mayo Clinic Laboratories, Mayo Clinic
Classification: Benign. Last evaluated: 2024-05-31. Review status: criteria provided, single submitter. Criteria: ACMG Guidelines, 2015. Collection method: clinical testing. Allele origin: germline. Observed: 6 variant alleles.
Comment: BS1, BS2, BP4

CeGaT Center for Human Genetics Tuebingen
Classification: Likely benign. Last evaluated: 2023-09-01. Review status: criteria provided, single submitter. Criteria: CeGaT Center For Human Genetics Tuebingen Variant Classification Criteria Version 2. Collection method: clinical testing. Allele origin: germline. Affected: yes. Observed: 1 variant allele.
Comment: TNNI3K: BP4, BS1

Breakthrough Genomics
Classification: Likely benign. Review status: criteria provided, single submitter. Criteria: ACMG Guidelines, 2015. Collection method: not provided. Allele origin: germline. Inheritance: Autosomal dominant inheritance. Affected: yes.

PreventionGenetics, part of Exact Sciences
Classification: Likely benign for TNNI3K-related condition. Last evaluated: 2020-10-27. Review status: no assertion criteria provided. Collection method: clinical testing. Allele origin: germline. Not counted in ClinVar's aggregate classification.
Comment: This variant is classified as likely benign based on ACMG/AMP sequence variant interpretation guidelines (Richards et al. 2015 PMID: 25741868, with internal and published modifications).

Clinical Genetics DNA and cytogenetics Diagnostics Lab, Erasmus MC, Erasmus Medical Center
Classification: Likely benign. Review status: no assertion criteria provided. Collection method: clinical testing. Allele origin: germline. Affected: yes. Study: VKGL Data-share Consensus. Not counted in ClinVar's aggregate classification.

Clinical Genetics, Academic Medical Center
Classification: Likely benign. Review status: no assertion criteria provided. Collection method: clinical testing. Allele origin: germline. Affected: yes. Study: VKGL Data-share Consensus. Not counted in ClinVar's aggregate classification.